The following is an entry in ClinVar:

NM_153610.5(CMYA5):c.1004C>T (p.Thr335Ile)

Gene: CMYA5 (cardiomyopathy associated 5; plus strand). Cytogenetic location: 5q14.1.
Variant type: single nucleotide variant.
Coding change: c.1004C>T on transcript NM_153610.5 (MANE Select); coding-DNA position 1004, C replaced by T.
Protein change: p.Thr335Ile; replaces threonine 335 with isoleucine.
Molecular consequence: missense variant.
Genome position (GRCh38, 1-based): chr5:79,729,769, C>T. VCF-style: chr5-79729769-C-T. GRCh37 (hg19) VCF-style: chr5-79025592-C-T.
Other names: short protein forms T335I.
Identifiers: ClinVar variation 778334 (VCV000778334.29), dbSNP rs114648445, ClinGen allele CA3321314.
Genomic context (GRCh38, chr5:79,729,769, plus strand): 5'-CCTTAATGTTCAGTCATGAAGATCAAAAGAAAATTTATGCTGATTCTCCCCTAAATGCCA[C>T]ATCTGCATTGGAGCACACAGTTCCCTCTTATTCAAGTAGTGGCAGAGCAGAACAAGGAAT-3'
Protein context (NP_705838.3, residues 325-345): KIYADSPLNA[Thr335Ile]SALEHTVPSY

ClinVar aggregate classification (germline): Likely benign. Review status: criteria provided, multiple submitters, no conflicts (2 of 4 stars). 3 submissions from 3 submitters: Likely benign (3). Last evaluated 2023-03-01.

Allele frequency attached by ClinVar (database versions not stated): 1000 Genomes Project 30x 0.00234; 1000 Genomes Project 0.00260; ExAC 0.00368; gnomAD 0.00402 and 0.00413; gnomAD exomes 0.00403 and 0.00552; TOPMed 0.00439; ESP Exome Variant Server 0.00479.
gnomAD v4.1: 8,595 of 1,613,898 alleles (0.53%); highest among the groups gnomAD compares: Non-Finnish European, 0.67%; 45 homozygotes.

Submissions (3):

CeGaT Center for Human Genetics Tuebingen
Classification: Likely benign. Last evaluated: 2023-03-01. Review status: criteria provided, single submitter. Criteria: CeGaT Center For Human Genetics Tuebingen Variant Classification Criteria Version 2. Collection method: clinical testing. Allele origin: germline. Affected: yes. Observed: 6 variant alleles.
Comment: CMYA5: BP4, BS2

Labcorp Genetics (formerly Invitae), Labcorp
Classification: Likely benign. Last evaluated: 2019-12-31. Review status: criteria provided, single submitter. Criteria: Invitae Variant Classification Sherloc (09022015). Collection method: clinical testing. Allele origin: germline.

Breakthrough Genomics
Classification: Likely benign. Review status: criteria provided, single submitter. Criteria: ACMG Guidelines, 2015. Collection method: not provided. Allele origin: germline. Inheritance: Unknown mechanism. Affected: yes.